The following is an entry in ClinVar:

ClinVar aggregate classification (germline): Uncertain significance (1 of 4 stars; one submission).

Submission:

Women's Health and Genetics/Laboratory Corporation of America, LabCorp
Classification: Uncertain significance. Last evaluated: 2025-09-05. Review status: criteria provided, single submitter. Criteria: LabCorp Variant Classification Summary - May 2015. Collection method: clinical testing. Allele origin: germline.
Comment: Variant summary: COL17A1 c.4438+2dupT alters a conserved nucleotide located close to a canonical splice site and therefore could affect mRNA splicing, leading to a significantly altered protein sequence. Several computational tools predict a significant impact on normal splicing: One predict the variant abolishes a 5' splicing donor site. Three predict the variant weakens a 5' donor site. However, these predictions have yet to be confirmed by functional studies. The variant was absent in 251284 control chromosomes. The available data on variant occurrences in the general population are insufficient to allow any conclusion about variant significance. To our knowledge, no occurrence of c.4438+2dupT in individuals affected with COL17A1-related conditions and no experimental evidence demonstrating its impact on protein function have been reported. No submitters have cited clinical-significance assessments for this variant to ClinVar. Based on the evidence outlined above, the variant was classified as uncertain significance.

NM_000494.4(COL17A1):c.4438+2dup

Gene: COL17A1 (collagen type XVII alpha 1 chain; minus strand). Cytogenetic location: 10q25.1.
Variant type: Duplication.
Coding change: c.4438+2dup on transcript NM_000494.4 (MANE Select); the canonical splice donor site of the intron after coding-DNA position 4438, one base duplicated (T; older notation c.4438+2dupT).
Molecular consequence: splice donor variant.
Genome position (GRCh38, 1-based): chr10:104,032,672, A duplicated on the plus strand (T on the coding strand, the reverse complement: COL17A1 is on the minus strand). VCF-style (leftmost placement, unchanged base first): chr10-104032671-T-TA. GRCh37 (hg19) VCF-style: chr10-105792429-T-TA.
Other names: c.4438+2dupT (NM_000494.4).
Identifiers: ClinVar variation 4535757 (VCV004535757.1).